The following is an entry in ClinVar:

ClinVar aggregate classification (germline): Uncertain significance (1 of 4 stars; one submission).

gnomAD v4.1: 4 of 1,614,218 alleles (0.00025%); highest among the groups gnomAD compares: Non-Finnish European, 0.00034%; no homozygotes.

Submission:

GeneDx
Classification: Uncertain significance. Last evaluated: 2025-12-20. Review status: criteria provided, single submitter. Criteria: GeneDx Variant Classification Process June 2021. Collection method: clinical testing. Allele origin: germline. Affected: yes.
Comment: Not observed at significant frequency in large population cohorts (gnomAD); In silico analysis supports that this missense variant has a deleterious effect on protein structure/function; Has not been previously published as pathogenic or benign to our knowledge

NM_002471.4(MYH6):c.1861C>T (p.Leu621Phe)

Gene: MYH6 (myosin heavy chain 6; minus strand). Cytogenetic location: 14q11.2.
Variant type: single nucleotide variant.
Coding change: c.1861C>T on transcript NM_002471.4 (MANE Select); coding-DNA position 1861, C replaced by T.
Protein change: p.Leu621Phe; replaces leucine 621 with phenylalanine.
Molecular consequence: missense variant.
Genome position (GRCh38, 1-based): chr14:23,398,758, G>A on the plus strand (C>T on the coding strand, the complement: MYH6 is on the minus strand). VCF-style: chr14-23398758-G-A. GRCh37 (hg19) VCF-style: chr14-23867967-G-A.
Other names: short protein forms L621F.
Identifiers: ClinVar variation 3780991 (VCV003780991.2).